The following is an entry in ClinVar:

NM_001372044.2(SHANK3):c.871G>A (p.Gly291Ser)

Gene: SHANK3 (SH3 and multiple ankyrin repeat domains 3; plus strand). Cytogenetic location: 22q13.33.
Variant type: single nucleotide variant.
Coding change: c.871G>A on transcript NM_001372044.2 (MANE Select); coding-DNA position 871, G replaced by A.
Protein change: p.Gly291Ser; replaces glycine 291 with serine.
Molecular consequence: missense variant.
Genome position (GRCh38, 1-based): chr22:50,679,064, G>A. VCF-style: chr22-50679064-G-A. GRCh37 (hg19) VCF-style: chr22-51117492-G-A.
Other names: c.646G>A, p.Gly216Ser (NM_033517.1); short protein forms G216S, G291S.
Identifiers: ClinVar variation 2653411 (VCV002653411.25), dbSNP rs768397414, ClinGen allele CA10325293.

ClinVar aggregate classification (germline): Uncertain significance. Review status: criteria provided, multiple submitters, no conflicts (2 of 4 stars). 2 submissions from 2 submitters: Uncertain significance (2). Last evaluated 2025-11-24.

Allele frequency attached by ClinVar (database versions not stated): gnomAD 0.00001; gnomAD exomes 0.00001; TOPMed 0.00001; ExAC 0.00002.

Submissions (2):

GeneDx
Classification: Uncertain significance. Last evaluated: 2025-11-24. Review status: criteria provided, single submitter. Criteria: GeneDx Variant Classification Process June 2021. Collection method: clinical testing. Allele origin: germline.
Comment: In silico analysis supports that this missense variant has a deleterious effect on protein structure/function; Has not been previously published as pathogenic or benign to our knowledge

CeGaT Center for Human Genetics Tuebingen
Classification: Uncertain significance. Last evaluated: 2023-06-01. Review status: criteria provided, single submitter. Criteria: CeGaT Center For Human Genetics Tuebingen Variant Classification Criteria Version 2. Collection method: clinical testing. Allele origin: germline. Affected: yes. Observed: 1 variant allele.
Comment: SHANK3: PP2